The following is an entry in ClinVar:

NM_001276270.2(MBD4):c.651T>G (p.Asp217Glu)

Gene: MBD4 (methyl-CpG binding domain 4, DNA glycosylase; minus strand). Cytogenetic location: 3q21.3.
Variant type: single nucleotide variant.
Coding change: c.651T>G on transcript NM_001276270.2 (MANE Select); coding-DNA position 651, T replaced by G.
Protein change: p.Asp217Glu; replaces aspartic acid 217 with glutamic acid.
Molecular consequence: missense variant. On other transcripts: intron variant (1).
Genome position (GRCh38, 1-based): chr3:129,436,993, A>C on the plus strand (T>G on the coding strand, the complement: MBD4 is on the minus strand). VCF-style: chr3-129436993-A-C. GRCh37 (hg19) VCF-style: chr3-129155836-A-C.
Other names: c.651T>G, p.Asp217Glu (NM_001276271.2, NM_001276272.2, NM_003925.3); c.247+815T>G (NM_001276273.2); short protein forms D217E.
Identifiers: ClinVar variation 4859620 (VCV004859620.1).
Genomic context (GRCh38, chr3:129,436,993, plus strand): 5'-AATAGTCACCTTTCCTTTGGGCTTTCTAACCTTTCTGAAGTTAACATCATCAACACCCTC[A>C]TCTTCTTTCAAAAGCAAATGAGTGGAAGTAAAGTTAGAGAGTCCTCTGCTCTCCTGCAAC-3'
Protein context (NP_001263199.1, residues 207-227): FTSTHLLLKE[Asp217Glu]EGVDDVNFRK

ClinVar aggregate classification (germline): Uncertain significance (1 of 4 stars; one submission).

Conditions:
Inborn genetic diseases. Identifiers: MedGen C0950123, MeSH D030342.

Submission:

Ambry Genetics
Classification: Uncertain significance for Inborn genetic diseases. Last evaluated: 2026-05-28. Review status: criteria provided, single submitter. Criteria: Ambry Variant Classification Scheme 2023. Collection method: clinical testing. Allele origin: germline.
Comment: The p.D217E variant (also known as c.651T>G), located in coding exon 3 of the MBD4 gene, results from a T to G substitution at nucleotide position 651. The aspartic acid at codon 217 is replaced by glutamic acid, an amino acid with highly similar properties. This amino acid position is conserved. In addition, this alteration is predicted to be tolerated by in silico analysis. Based on the available evidence, the clinical significance of this variant remains unclear.